The following is an entry in ClinVar:

ClinVar aggregate classification (germline): Likely benign (0 of 4 stars; one submission).

Conditions:
UBE3C-related disorder. Also called: UBE3C-related condition.

Allele frequency attached by ClinVar (database versions not stated): gnomAD exomes 0.00006; gnomAD 0.00016; TOPMed 0.00018; ExAC 0.00031; 1000 Genomes Project 0.00060; 1000 Genomes Project 30x 0.00062.
gnomAD v4.1: 157 of 1,613,668 alleles (0.0097%); highest among the groups gnomAD compares: East Asian, 0.22%; 1 homozygote.

Submission:

PreventionGenetics, part of Exact Sciences
Classification: Likely benign for UBE3C-related condition. Last evaluated: 2022-02-03. Review status: no assertion criteria provided. Collection method: clinical testing. Allele origin: germline.
Comment: This variant is classified as likely benign based on ACMG/AMP sequence variant interpretation guidelines (Richards et al. 2015 PMID: 25741868, with internal and published modifications).

NM_014671.3(UBE3C):c.2801A>C (p.Gln934Pro)

Gene: UBE3C (ubiquitin protein ligase E3C; plus strand). Cytogenetic location: 7q36.3.
Variant type: single nucleotide variant.
Coding change: c.2801A>C on transcript NM_014671.3 (MANE Select); coding-DNA position 2801, A replaced by C.
Protein change: p.Gln934Pro; replaces glutamine 934 with proline.
Molecular consequence: missense variant.
Genome position (GRCh38, 1-based): chr7:157,254,060, A>C. VCF-style: chr7-157254060-A-C. GRCh37 (hg19) VCF-style: chr7-157046754-A-C.
Other names: short protein forms Q934P.
Identifiers: ClinVar variation 3051489 (VCV003051489.2), dbSNP rs200639306, ClinGen allele CA4590190.